The following is an entry in ClinVar:

NM_012418.4(FSCN2):c.531C>T (p.Leu177=)

Gene: FSCN2 (fascin actin-bundling protein 2, retinal; plus strand). Cytogenetic location: 17q25.3.
Variant type: single nucleotide variant.
Coding change: c.531C>T on transcript NM_012418.4 (MANE Select); coding-DNA position 531, C replaced by T.
Protein change: p.Leu177=; no amino-acid change (leucine 177 retained).
Molecular consequence: synonymous variant.
Genome position (GRCh38, 1-based): chr17:81,529,062, C>T. VCF-style: chr17-81529062-C-T. GRCh37 (hg19) VCF-style: chr17-79496088-C-T.
Other names: c.531C>T, p.Leu177= (NM_001077182.3).
Identifiers: ClinVar variation 739203 (VCV000739203.12), dbSNP rs782418159, ClinGen allele CA8836708.

ClinVar aggregate classification (germline): Benign. Review status: criteria provided, single submitter (1 of 4 stars). 2 submissions from 2 submitters: Benign (1). 1 of the submissions does not count toward it. Last evaluated 2026-01-29.

Conditions:
FSCN2-related disorder. Also called: FSCN2-related condition.

Allele frequency attached by ClinVar (database versions not stated): gnomAD exomes 0.00015 and 0.00038; TOPMed 0.00026; gnomAD 0.00033 and 0.00034; ExAC 0.00038.
gnomAD v4.1: 140 of 1,592,400 alleles (0.0088%); highest among the groups gnomAD compares: Admixed American, 0.24%; no homozygotes.

Submissions (2):

Labcorp Genetics (formerly Invitae), Labcorp
Classification: Benign. Last evaluated: 2026-01-29. Review status: criteria provided, single submitter. Criteria: Invitae Variant Classification Sherloc (09022015). Collection method: clinical testing. Allele origin: germline.

PreventionGenetics, part of Exact Sciences
Classification: Likely benign for FSCN2-related condition. Last evaluated: 2019-07-22. Review status: no assertion criteria provided. Collection method: clinical testing. Allele origin: germline. Not counted in ClinVar's aggregate classification.
Comment: This variant is classified as likely benign based on ACMG/AMP sequence variant interpretation guidelines (Richards et al. 2015 PMID: 25741868, with internal and published modifications).